The following is an entry in ClinVar:

ClinVar aggregate classification (germline): Benign. Review status: criteria provided, multiple submitters, no conflicts (2 of 4 stars). 2 submissions from 2 submitters: Benign (2). Last evaluated 2018-06-18.

Allele frequency attached by ClinVar (database versions not stated): gnomAD exomes 0.20645; gnomAD 0.24831; TOPMed 0.25449; 1000 Genomes Project 30x 0.28638; 1000 Genomes Project 0.28654.
gnomAD v4.1: 74,171 of 328,602 alleles (23%); highest among the groups gnomAD compares: African/African-American, 35%; 9,100 homozygotes.

Submissions (2):

GeneDx
Classification: Benign. Last evaluated: 2018-06-18. Review status: criteria provided, single submitter. Criteria: GeneDx Variant Classification (06012015). Collection method: clinical testing. Allele origin: germline. Affected: yes.
Comment: This variant is considered likely benign or benign based on one or more of the following criteria: it is a conservative change, it occurs at a poorly conserved position in the protein, it is predicted to be benign by multiple in silico algorithms, and/or has population frequency not consistent with disease.

Breakthrough Genomics
Classification: Benign. Review status: criteria provided, single submitter. Criteria: ACMG Guidelines, 2015. Collection method: not provided. Allele origin: germline. Inheritance: Autosomal recessive inheritance. Affected: yes.

NM_018993.4(RIN2):c.-36-3168C>T

Gene: RIN2 (Ras and Rab interactor 2; plus strand). Cytogenetic location: 20p11.23.
Variant type: single nucleotide variant.
Coding change: c.-36-3168C>T on transcript NM_018993.4 (MANE Select); 3168 bases into the intron before 36 bases upstream of the start codon, C replaced by T.
Molecular consequence: intron variant.
Genome position (GRCh38, 1-based): chr20:19,886,398, C>T. VCF-style: chr20-19886398-C-T. GRCh37 (hg19) VCF-style: chr20-19867042-C-T.
Other names: c.-581-3168C>T (NM_001378238.1).
Identifiers: ClinVar variation 683996 (VCV000683996.2), dbSNP rs6132239, ClinGen allele CA14752511.